The following is an entry in ClinVar:

NM_020376.4(PNPLA2):c.1488_1492dup (p.Val498fs)

Gene: PNPLA2 (patatin like phospholipase domain containing 2; plus strand). Cytogenetic location: 11p15.5.
Variant type: Microsatellite.
Coding change: c.1488_1492dup on transcript NM_020376.4 (MANE Select); coding-DNA positions 1488 to 1492, 5 bases duplicated (GCCCG; older notation c.1488_1492dupGCCCG).
Protein change: p.Val498fs; shifts the reading frame from valine 498.
Molecular consequence: frameshift variant.
Genome position (GRCh38, 1-based): chr11:824,835-824,839, GCCCG duplicated; duplicating any 5 consecutive bases within chr11:824,829-824,839 gives the same sequence; the c. name uses the placement nearest the transcript's 3' end. VCF-style (leftmost placement, unchanged base first): chr11-824828-A-AGGCCC. GRCh37 (hg19) VCF-style: chr11-824828-A-AGGCCC.
Other names: p.Val498Glyfs*3; short protein forms V498fs.
Identifiers: ClinVar variation 3380004 (VCV003380004.1).

ClinVar aggregate classification (germline): Uncertain significance (1 of 4 stars; one submission).

Submission:

Mayo Clinic Laboratories, Mayo Clinic
Classification: Uncertain significance. Last evaluated: 2024-05-09. Review status: criteria provided, single submitter. Criteria: ACMG Guidelines, 2015. Collection method: clinical testing. Allele origin: germline. Observed: 1 variant allele.
Comment: PM2, PVS1_moderate